The following is an entry in ClinVar:

NM_133433.4(NIPBL):c.1988A>C (p.Gln663Pro)

Gene: NIPBL (NIPBL cohesin loading factor; plus strand). Cytogenetic location: 5p13.2.
Variant type: single nucleotide variant.
Coding change: c.1988A>C on transcript NM_133433.4 (MANE Select); coding-DNA position 1988, A replaced by C.
Protein change: p.Gln663Pro; replaces glutamine 663 with proline.
Molecular consequence: missense variant.
Genome position (GRCh38, 1-based): chr5:36,985,168, A>C. VCF-style: chr5-36985168-A-C. GRCh37 (hg19) VCF-style: chr5-36985270-A-C.
Other names: c.1988A>C, p.Gln663Pro (NM_015384.5); short protein forms Q663P.
Identifiers: ClinVar variation 167349 (VCV000167349.16), dbSNP rs149892167, ClinGen allele CA234370.

ClinVar aggregate classification (germline): Conflicting classifications of pathogenicity. Review status: criteria provided, conflicting classifications (1 of 4 stars). 7 submissions from 7 submitters: Uncertain significance (4); Likely benign (3). Last evaluated 2025-10-16.

Conditions:
Inborn genetic diseases. Identifiers: MedGen C0950123, MeSH D030342.
Cornelia de Lange syndrome 1 (CDLS1). Also called: Brachmann de Lange syndrome; NIPBL-Related Cornelia de Lange Syndrome; TYPUS DEGENERATIVUS AMSTELODAMENSIS. Identifiers: Orphanet 199, MedGen C4551851, MONDO:0007387, OMIM 122470.

Allele frequency attached by ClinVar (database versions not stated): gnomAD 0.00004 and 0.00003; ExAC 0.00001; TOPMed 0.00005; gnomAD exomes 0.00001; ESP Exome Variant Server 0.00008.
gnomAD v4.1: 8 of 1,613,890 alleles (0.0005%); highest among the groups gnomAD compares: African/African-American, 0.011%; no homozygotes.

Submissions (7):

Labcorp Genetics (formerly Invitae), Labcorp
Classification: Likely benign for Cornelia de Lange syndrome 1. Last evaluated: 2025-10-16. Review status: criteria provided, single submitter. Criteria: Invitae Variant Classification Sherloc (09022015). Collection method: clinical testing. Allele origin: germline.

Ambry Genetics
Classification: Likely benign for Inborn genetic diseases. Last evaluated: 2025-08-02. Review status: criteria provided, single submitter. Criteria: Ambry Variant Classification Scheme 2023. Collection method: clinical testing. Allele origin: germline.

Women's Health and Genetics/Laboratory Corporation of America, LabCorp
Classification: Uncertain significance. Last evaluated: 2024-12-19. Review status: criteria provided, single submitter. Criteria: LabCorp Variant Classification Summary - May 2015. Collection method: clinical testing. Allele origin: germline.
Comment: Variant summary: NIPBL c.1988A>C (p.Gln663Pro) results in a non-conservative amino acid change in the encoded protein sequence. Three of five in-silico tools predict a damaging effect of the variant on protein function. The variant allele was found at a frequency of 8e-06 in 250634 control chromosomes. The available data on variant occurrences in the general population are insufficient to allow any conclusion about variant significance. To our knowledge, no occurrence of c.1988A>C in individuals affected with Cornelia De Lange Syndrome 1 and no experimental evidence demonstrating its impact on protein function have been reported. ClinVar contains an entry for this variant (Variation ID: 167349). Based on the evidence outlined above, the variant was classified as uncertain significance.

Fulgent Genetics
Classification: Uncertain significance for Cornelia de Lange syndrome 1. Last evaluated: 2024-05-29. Review status: criteria provided, single submitter. Criteria: ACMG Guidelines, 2015. Collection method: clinical testing. Allele origin: germline.

Genome-Nilou Lab
Classification: Likely benign for Cornelia de Lange syndrome 1. Last evaluated: 2021-07-15. Review status: criteria provided, single submitter. Criteria: ACMG Guidelines, 2015. Collection method: clinical testing. Allele origin: germline. Affected: no.

GeneDx
Classification: Uncertain significance. Last evaluated: 2017-05-10. Review status: criteria provided, single submitter. Criteria: GeneDx Variant Classification (06012015). Collection method: clinical testing. Allele origin: germline. Affected: yes.
Comment: A variant of uncertain significance has been identified in the NIPBL gene. The Q663P variant has not been published as a pathogenic variant, nor has it been reported as a benign variant to our knowledge. The Q663P variant is not observed at a significant frequency in large population cohorts (Lek et al., 2016; 1000 Genomes Consortium et al., 2015; Exome Variant Server). The Q663P variant is a non-conservative amino acid substitution, which is likely to impact secondary protein structure as these residues differ in polarity, charge, size and/or other properties. However, this substitution occurs at a position that is not conserved. In silico analysis is inconsistent in its predictions as to whether or not the variant is damaging to the protein structure/function. Therefore, based on the currently available information, it is unclear whether this variant is a pathogenic variant or a rare benign variant.

Eurofins Ntd Llc (ga)
Classification: Uncertain significance. Last evaluated: 2014-02-28. Review status: criteria provided, single submitter. Criteria: EGL Classification Definitions 2015. Collection method: clinical testing. Allele origin: germline. Observed: 1 variant allele, 1 heterozygote.